The following is an entry in ClinVar:

NM_004309.6(ARHGDIA):c.549C>T (p.Asp183=)

Gene: ARHGDIA (Rho GDP dissociation inhibitor alpha; minus strand). Cytogenetic location: 17q25.3.
Variant type: single nucleotide variant.
Coding change: c.549C>T on transcript NM_004309.6 (MANE Select); coding-DNA position 549, C replaced by T.
Protein change: p.Asp183=; no amino-acid change (aspartic acid 183 retained).
Molecular consequence: synonymous variant. On other transcripts: missense variant (1), non-coding transcript variant (1), intron variant (2).
Genome position (GRCh38, 1-based): chr17:81,868,942, G>A on the plus strand (C>T on the coding strand, the complement: ARHGDIA is on the minus strand). VCF-style: chr17-81868942-G-A. GRCh37 (hg19) VCF-style: chr17-79826818-G-A.
Other names: c.549C>T, p.Asp183= (NM_001185077.3); c.417C>T, p.Asn139= (NM_001185078.3); c.437C>T, p.Thr146Met (NM_001301242.2); c.684C>T, p.Asp228= (NM_001301243.2); c.502+47C>T (NM_001301240.2, NM_001301241.2); short protein forms T146M.
Identifiers: ClinVar variation 2077007 (VCV002077007.10), dbSNP rs114505631, ClinGen allele CA8843206.
Genomic context (GRCh38, chr17:81,868,942, plus strand): 5'-CTTCCAGTCCTTCTTGATGGTGAGATTCCACTCCCAGGACAGGTGGTCGGTCTTGTCGTC[G>A]TCTGTGAAGCGGGACTTGATGCTGTAGCTGCCCCGGGCCAGCATACCCTTGGGTGCCTCC-3'
Protein context (NP_004300.1, residues 173-193): GSYSIKSRFT[Asp183=]DDKTDHLSWE

ClinVar aggregate classification (germline): Benign/Likely benign. Review status: criteria provided, multiple submitters, no conflicts (2 of 4 stars). 2 submissions from 2 submitters: Benign (1); Likely benign (1). Last evaluated 2026-01-25.

Allele frequency attached by ClinVar (database versions not stated): gnomAD exomes 0.00016; ExAC 0.00072; gnomAD 0.00194; TOPMed 0.00211; ESP Exome Variant Server 0.00215; 1000 Genomes Project 0.00419; 1000 Genomes Project 30x 0.00453.
gnomAD v4.1: 537 of 1,613,816 alleles (0.033%); highest among the groups gnomAD compares: African/African-American, 0.61%; 2 homozygotes.

Submissions (2):

Labcorp Genetics (formerly Invitae), Labcorp
Classification: Benign. Last evaluated: 2026-01-25. Review status: criteria provided, single submitter. Criteria: Invitae Variant Classification Sherloc (09022015). Collection method: clinical testing. Allele origin: germline.

CeGaT Center for Human Genetics Tuebingen
Classification: Likely benign. Last evaluated: 2025-10-01. Review status: criteria provided, single submitter. Criteria: CeGaT Center For Human Genetics Tuebingen Variant Classification Criteria Version 2. Collection method: clinical testing. Allele origin: germline. Affected: yes. Observed: 1 variant allele.
Comment: ARHGDIA: BP4, BP7